The following is an entry in ClinVar:

ClinVar aggregate classification (germline): Likely benign. Review status: criteria provided, multiple submitters, no conflicts (2 of 4 stars). 3 submissions from 3 submitters: Likely benign (2). 1 of the submissions does not count toward it. Last evaluated 2024-11-27.

Conditions:
SEMA6B-related disorder. Also called: SEMA6B-related condition.

Allele frequency attached by ClinVar (database versions not stated): 1000 Genomes Project 0.00060; 1000 Genomes Project 30x 0.00062; ESP Exome Variant Server 0.00093; gnomAD 0.00094; TOPMed 0.00132.

Submissions (3):

Blueprint Genetics
Classification: Likely benign. Last evaluated: 2024-11-27. Review status: criteria provided, single submitter. Criteria: ACMG Guidelines, 2015. Collection method: clinical testing. Allele origin: germline.

CeGaT Center for Human Genetics Tuebingen
Classification: Likely benign. Last evaluated: 2024-06-01. Review status: criteria provided, single submitter. Criteria: CeGaT Center For Human Genetics Tuebingen Variant Classification Criteria Version 2. Collection method: clinical testing. Allele origin: germline. Affected: yes. Observed: 1 variant allele.
Comment: SEMA6B: BP4, BP7

PreventionGenetics, part of Exact Sciences
Classification: Likely benign for SEMA6B-related condition. Last evaluated: 2019-02-21. Review status: no assertion criteria provided. Collection method: clinical testing. Allele origin: germline. Not counted in ClinVar's aggregate classification.
Comment: This variant is classified as likely benign based on ACMG/AMP sequence variant interpretation guidelines (Richards et al. 2015 PMID: 25741868, with internal and published modifications).

NM_032108.4(SEMA6B):c.1551C>T (p.Cys517=)

Gene: SEMA6B (semaphorin 6B; minus strand). Cytogenetic location: 19p13.3.
Variant type: single nucleotide variant.
Coding change: c.1551C>T on transcript NM_032108.4 (MANE Select); coding-DNA position 1551, C replaced by T.
Protein change: p.Cys517=; no amino-acid change (cysteine 517 retained).
Molecular consequence: synonymous variant.
Genome position (GRCh38, 1-based): chr19:4,548,077, G>A on the plus strand (C>T on the coding strand, the complement: SEMA6B is on the minus strand). VCF-style: chr19-4548077-G-A. GRCh37 (hg19) VCF-style: chr19-4548089-G-A.
Identifiers: ClinVar variation 3050554 (VCV003050554.20), dbSNP rs112105291, ClinGen allele CA9102430.